The following is an entry in ClinVar:

NM_001277115.2(DNAH11):c.8539C>G (p.Pro2847Ala)

Gene: DNAH11 (dynein axonemal heavy chain 11; plus strand). Cytogenetic location: 7p15.3.
Variant type: single nucleotide variant.
Coding change: c.8539C>G on transcript NM_001277115.2 (MANE Select); coding-DNA position 8539, C replaced by G.
Protein change: p.Pro2847Ala; replaces proline 2847 with alanine.
Molecular consequence: missense variant.
Genome position (GRCh38, 1-based): chr7:21,748,608, C>G. VCF-style: chr7-21748608-C-G. GRCh37 (hg19) VCF-style: chr7-21788226-C-G.
Other names: c.8560C>G, p.Pro2854Ala (NM_003777.3); short protein forms P2854A, P2847A.
Identifiers: ClinVar variation 1763778 (VCV001763778.2), dbSNP rs1374736886, ClinGen allele CA366955086.

ClinVar aggregate classification (germline): Uncertain significance (1 of 4 stars; one submission).

Conditions:
Primary ciliary dyskinesia. Also called: Ciliary dyskinesia. Identifiers: Orphanet 244, MedGen C0008780, MONDO:0016575, HP:0012265.

gnomAD v4.1: 8 of 1,607,216 alleles (0.0005%); highest among the groups gnomAD compares: Non-Finnish European, 0.00068%; no homozygotes.

Submission:

Ambry Genetics
Classification: Uncertain significance for Primary ciliary dyskinesia. Last evaluated: 2022-08-16. Review status: criteria provided, single submitter. Criteria: Ambry Variant Classification Scheme 2023. Collection method: clinical testing. Allele origin: germline.
Comment: The p.P2847A variant (also known as c.8539C>G), located in coding exon 52 of the DNAH11 gene, results from a C to G substitution at nucleotide position 8539. The proline at codon 2847 is replaced by alanine, an amino acid with highly similar properties. This amino acid position is conserved. In addition, this alteration is predicted to be tolerated by in silico analysis. Since supporting evidence is limited at this time, the clinical significance of this alteration remains unclear.